The following is an entry in ClinVar:

NM_018975.4(TERF2IP):c.1105G>T (p.Asp369Tyr)

Gene: TERF2IP (TERF2 interacting protein; plus strand). Cytogenetic location: 16q23.1.
Variant type: single nucleotide variant.
Coding change: c.1105G>T on transcript NM_018975.4 (MANE Select); coding-DNA position 1105, G replaced by T.
Protein change: p.Asp369Tyr; replaces aspartic acid 369 with tyrosine.
Molecular consequence: missense variant. On other transcripts: non-coding transcript variant (1).
Genome position (GRCh38, 1-based): chr16:75,656,516, G>T. VCF-style: chr16-75656516-G-T. GRCh37 (hg19) VCF-style: chr16-75690414-G-T.
Other names: short protein forms D369Y.
Identifiers: ClinVar variation 2460048 (VCV002460048.6), dbSNP rs148810861, ClinGen allele CA8178169.

ClinVar aggregate classification (germline): Uncertain significance. Review status: criteria provided, multiple submitters, no conflicts (2 of 4 stars). 2 submissions from 2 submitters: Uncertain significance (2). Last evaluated 2025-09-23.

Allele frequency attached by ClinVar (database versions not stated): gnomAD 0.00001; TOPMed 0.00002; ExAC 0.00003; ESP Exome Variant Server 0.00008.
gnomAD v4.1: 21 of 1,614,030 alleles (0.0013%); highest among the groups gnomAD compares: Non-Finnish European, 0.0014%; no homozygotes.

Submissions (2):

Ambry Genetics
Classification: Uncertain significance. Last evaluated: 2025-09-23. Review status: criteria provided, single submitter. Criteria: Ambry Variant Classification Scheme 2023. Collection method: clinical testing. Allele origin: germline.

Labcorp Genetics (formerly Invitae), Labcorp
Classification: Uncertain significance. Last evaluated: 2024-12-21. Review status: criteria provided, single submitter. Criteria: Invitae Variant Classification Sherloc (09022015). Collection method: clinical testing. Allele origin: germline.
Comment: This sequence change replaces aspartic acid, which is acidic and polar, with tyrosine, which is neutral and polar, at codon 369 of the TERF2IP protein (p.Asp369Tyr). This variant is present in population databases (rs148810861, gnomAD 0.005%). This variant has not been reported in the literature in individuals affected with TERF2IP-related conditions. ClinVar contains an entry for this variant (Variation ID: 2460048). An algorithm developed to predict the effect of missense changes on protein structure and function (PolyPhen-2) suggests that this variant is likely to be disruptive. In summary, the available evidence is currently insufficient to determine the role of this variant in disease. Therefore, it has been classified as a Variant of Uncertain Significance.